The following is an entry in ClinVar:

ClinVar aggregate classification (germline): Pathogenic. Review status: reviewed by expert panel (3 of 4 stars). 6 submissions from 6 submitters: Pathogenic (1). 5 of the submissions do not count toward it. Last evaluated 2020-10-15.

Conditions:
Phenylketonuria (PKU). Also called: Phenylketonuria (PKU); FOLLING DISEASE; OLIGOPHRENIA PHENYLPYRUVICA; Phenylketonurias. Identifiers: Orphanet 716, MedGen C0031485, MONDO:0009861, OMIM 261600. Disease mechanism: loss of function.

Submissions (6):

ClinGen PAH Variant Curation Expert Panel
Classification: Pathogenic for Phenylketonuria. Last evaluated: 2020-10-15. Review status: reviewed by expert panel. Criteria: ClinGen PAH ACMG Specifications v1. Collection method: curation. Allele origin: germline. Inheritance: Autosomal recessive inheritance.
Comment: This c.556del (p.Thr186fs) variant in PAH has been observed in two patients with non-PKU hyperphenylalaninemia, with pathogenic variant p.Arg408Trp, phase unknown (PMID: 23357515). This variant is absent from controls in population databases. This is a predicted null frameshift variant in exon 6 out of 13 coding exons. The variant is predicted to undergo nonsense mediated mRNA decay. In summary, this variant meets criteria to be classified as pathogenic for PAH. PAH-specific ACMG/AMP criteria applied: PVS1, PM2, PM3_Supporting, and PP4.

Baylor Genetics
Classification: Pathogenic for Phenylketonuria. Last evaluated: 2024-02-24. Review status: criteria provided, single submitter. Criteria: ACMG Guidelines, 2015. Collection method: clinical testing. Allele origin: unknown. Not counted in ClinVar's aggregate classification.

Labcorp Genetics (formerly Invitae), Labcorp
Classification: Pathogenic for Phenylketonuria. Last evaluated: 2022-08-23. Review status: criteria provided, single submitter. Criteria: Invitae Variant Classification Sherloc (09022015). Collection method: clinical testing. Allele origin: germline. Not counted in ClinVar's aggregate classification.
Comment: For these reasons, this variant has been classified as Pathogenic. ClinVar contains an entry for this variant (Variation ID: 102733). This premature translational stop signal has been observed in individual(s) with phenylketonuria (PMID: 23357515, 32668217). This variant is not present in population databases (gnomAD no frequency). This sequence change creates a premature translational stop signal (p.Thr186Hisfs*9) in the PAH gene. It is expected to result in an absent or disrupted protein product. Loss-of-function variants in PAH are known to be pathogenic (PMID: 1301187, 9634518).

Women's Health and Genetics/Laboratory Corporation of America, LabCorp
Classification: Pathogenic for Phenylketonuria. Last evaluated: 2021-11-07. Review status: criteria provided, single submitter. Criteria: LabCorp Variant Classification Summary - May 2015. Collection method: clinical testing. Allele origin: germline. Not counted in ClinVar's aggregate classification.
Comment: Variant summary: PAH c.556delA (p.Thr186HisfsX9) results in a premature termination codon, predicted to cause a truncation of the encoded protein or absence of the protein due to nonsense mediated decay, which are commonly known mechanisms for disease. Truncations downstream of this position have been classified as pathogenic by our laboratory. The variant was absent in 251302 control chromosomes. c.556delA has been reported in the literature as a compound heterozygous genotype with other pathogenic PAH alleles in individuals affected with Phenylalanine Hydroxylase Deficiency (Phenylketonuria) (example, Reblova_2013). To our knowledge, no experimental evidence demonstrating an impact on protein function has been reported. Two clinical diagnostic laboratories and an expert panel (ClinGen PAH Variant Curation Expert Panel) have submitted clinical-significance assessments for this variant to ClinVar after 2014. All submitters classified the variant as pathogenic (Expert panel)/likely pathogenic. Based on the evidence outlined above, the variant was classified as pathogenic.

Counsyl
Classification: Likely pathogenic for Phenylketonuria. Last evaluated: 2018-02-01. Review status: no assertion criteria provided. Collection method: clinical testing. Allele origin: unknown. Not counted in ClinVar's aggregate classification.

DeBelle Laboratory for Biochemical Genetics, MUHC/MCH RESEARCH INSTITUTE
No classification provided. Review status: no classification provided. Collection method: not provided. Allele origin: not provided. Not counted in ClinVar's aggregate classification.

Literature cited by the submitters: PubMed 23357515 (cited by 4 submitters); PubMed 32668217 (cited by Labcorp Genetics (formerly Invitae), Labcorp); PubMed 1301187 (cited by Labcorp Genetics (formerly Invitae), Labcorp); PubMed 9634518 (cited by Labcorp Genetics (formerly Invitae), Labcorp).

NM_000277.3(PAH):c.556del (p.Thr186fs)

Gene: PAH (phenylalanine hydroxylase; minus strand). Cytogenetic location: 12q23.2.
Variant type: Deletion.
Coding change: c.556del on transcript NM_000277.3 (MANE Select); coding-DNA position 556, one base deleted (A; older notation c.556delA).
Protein change: p.Thr186fs; shifts the reading frame from threonine 186.
Molecular consequence: frameshift variant.
Genome position (GRCh38, 1-based): chr12:102,855,286, T deleted on the plus strand (A on the coding strand, the reverse complement: PAH is on the minus strand); the first of 4 consecutive T bases (chr12:102,855,286-102,855,289); deleting any one gives the same sequence. VCF-style (leftmost placement, unchanged base first): chr12-102855285-GT-G. GRCh37 (hg19) VCF-style: chr12-103249063-GT-G.
Other names: c.556del, p.Thr186fs (NM_001354304.2); short protein forms T186fs.
Identifiers: ClinVar variation 102733 (VCV000102733.12), dbSNP rs62507328, ClinGen allele CA229620.
Genomic context (GRCh38, chr12:102,855,285, plus strand): 5'-TACTCATAGCAAGCATGGGTTTTATACAAGGACTTCAGAGTCTTGAACACTGTGCCCCAT[GT>G]TTTCTTTTCTTCCTCCATGTATTCCACTCGAGGGATGGGCTGCCCACTAGAATACAGGCA-3'